The following is an entry in ClinVar:

NM_001009944.3(PKD1):c.10163C>G (p.Ala3388Gly)

Gene: PKD1 (polycystin 1, transient receptor potential channel interacting; minus strand). Cytogenetic location: 16p13.3.
Variant type: single nucleotide variant.
Coding change: c.10163C>G on transcript NM_001009944.3 (MANE Select); coding-DNA position 10163, C replaced by G.
Protein change: p.Ala3388Gly; replaces alanine 3388 with glycine.
Molecular consequence: missense variant.
Genome position (GRCh38, 1-based): chr16:2,097,872, G>C on the plus strand (C>G on the coding strand, the complement: PKD1 is on the minus strand). VCF-style: chr16-2097872-G-C. GRCh37 (hg19) VCF-style: chr16-2147873-G-C.
Other names: c.10163C>G, p.Ala3388Gly (NM_000296.4); c.10163C>G (NM_001009944.2); short protein forms A3388G.
Identifiers: ClinVar variation 994662 (VCV000994662.2), dbSNP rs780451430, ClinGen allele CA7829779.

ClinVar aggregate classification (germline): Uncertain significance. Review status: criteria provided, multiple submitters, no conflicts (2 of 4 stars). 2 submissions from 2 submitters: Uncertain significance (2). Last evaluated 2026-02-17.

Allele frequency attached by ClinVar (database versions not stated): ExAC 0.00001; gnomAD 0.00001; gnomAD exomes 0.00001 and 0.00002; TOPMed 0.00001.
gnomAD v4.1: 9 of 1,605,120 alleles (0.00056%); highest among the groups gnomAD compares: Admixed American, 0.01%; no homozygotes.

Submissions (2):

GeneDx
Classification: Uncertain significance. Last evaluated: 2026-02-17. Review status: criteria provided, single submitter. Criteria: GeneDx Variant Classification Process June 2021. Collection method: clinical testing. Allele origin: germline.
Comment: In silico analysis supports a deleterious effect on splicing; In silico analysis suggests that this missense variant does not alter protein structure/function; Has not been previously published as pathogenic or benign to our knowledge

Athena Diagnostics
Classification: Uncertain significance. Last evaluated: 2019-10-01. Review status: criteria provided, single submitter. Criteria: Athena Diagnostics Criteria. Collection method: clinical testing. Allele origin: unknown.